The following is an entry in ClinVar:

NM_173598.6(KSR2):c.1600C>T (p.Pro534Ser)

Gene: KSR2 (kinase suppressor of ras 2; minus strand). Cytogenetic location: 12q24.22.
Variant type: single nucleotide variant.
Coding change: c.1600C>T on transcript NM_173598.6 (MANE Select); coding-DNA position 1600, C replaced by T.
Protein change: p.Pro534Ser; replaces proline 534 with serine.
Molecular consequence: missense variant.
Genome position (GRCh38, 1-based): chr12:117,539,806, G>A on the plus strand (C>T on the coding strand, the complement: KSR2 is on the minus strand). VCF-style: chr12-117539806-G-A. GRCh37 (hg19) VCF-style: chr12-117977611-G-A.
Other names: short protein forms P534S.
Identifiers: ClinVar variation 4988510 (VCV004988510.1).

ClinVar aggregate classification (germline): Uncertain significance (1 of 4 stars; one submission).

Conditions:
KSR2-related disorder. Also called: KSR2-related condition.

gnomAD v4.1: 10 of 1,608,456 alleles (0.00062%); highest among the groups gnomAD compares: African/African-American, 0.0013%; no homozygotes.

Submission:

PreventionGenetics, part of Exact Sciences
Classification: Uncertain significance for KSR2-related condition. Last evaluated: 2025-10-09. Review status: criteria provided, single submitter. Criteria: ACMG Guidelines, 2015. Collection method: clinical testing. Allele origin: germline.
Comment: The KSR2 c.1513C>T variant is predicted to result in the amino acid substitution p.Pro505Ser. To our knowledge, this variant has not been reported in the literature or in a large population database, indicating this variant is rare. At this time, the clinical significance of this variant is uncertain due to the absence of conclusive functional and genetic evidence.